The following is an entry in ClinVar:

NM_000063.6(C2):c.931G>A (p.Asp311Asn)

Genes: C2 (complement C2; plus strand), C2-AS1 (C2 antisense RNA 1; minus strand). Cytogenetic location: 6p21.33.
Variant type: single nucleotide variant.
Coding change: c.931G>A on transcript NM_000063.6 (MANE Select); coding-DNA position 931, G replaced by A.
Protein change: p.Asp311Asn; replaces aspartic acid 311 with asparagine.
Molecular consequence: missense variant. On other transcripts: intron variant (1).
Genome position (GRCh38, 1-based): chr6:31,936,004, G>A. VCF-style: chr6-31936004-G-A. GRCh37 (hg19) VCF-style: chr6-31903781-G-A.
Other names: c.535G>A, p.Asp179Asn (NM_001145903.3); c.193G>A, p.Asp65Asn (NM_001282457.2); c.844G>A, p.Asp282Asn (NM_001282458.2); c.347-1315G>A (NM_001178063.3); short protein forms D282N, D179N, D65N, D311N.
Identifiers: ClinVar variation 1512092 (VCV001512092.8), dbSNP rs774981560, ClinGen allele CA3727572.
Genomic context (GRCh38, chr6:31,936,004, plus strand): 5'-GTGAGCGTTGCCATTATCACCTTTGCCTCAGAGCCCAAAGTCCTCATGTCTGTCCTGAAC[G>A]ACAACTCCCGGGATATGACTGAGGTGATCAGCAGCCTGGAAAATGCCAACTATAAAGGTA-3'
Protein context (NP_000054.2, residues 301-321): EPKVLMSVLN[Asp311Asn]NSRDMTEVIS

ClinVar aggregate classification (germline): Uncertain significance (1 of 4 stars; one submission).

Allele frequency attached by ClinVar (database versions not stated): gnomAD exomes 0.00001; ExAC 0.00002.
gnomAD v4.1: 8 of 1,612,992 alleles (0.0005%); highest among the groups gnomAD compares: East Asian, 0.0022%; no homozygotes.

Submission:

Labcorp Genetics (formerly Invitae), Labcorp
Classification: Uncertain significance. Last evaluated: 2024-10-22. Review status: criteria provided, single submitter. Criteria: Invitae Variant Classification Sherloc (09022015). Collection method: clinical testing. Allele origin: germline.
Comment: This sequence change replaces aspartic acid, which is acidic and polar, with asparagine, which is neutral and polar, at codon 311 of the C2 protein (p.Asp311Asn). This variant is present in population databases (rs774981560, gnomAD 0.002%). This variant has not been reported in the literature in individuals affected with C2-related conditions. ClinVar contains an entry for this variant (Variation ID: 1512092). An algorithm developed to predict the effect of missense changes on protein structure and function (PolyPhen-2) suggests that this variant is likely to be disruptive. In summary, the available evidence is currently insufficient to determine the role of this variant in disease. Therefore, it has been classified as a Variant of Uncertain Significance.